The following is an entry in ClinVar:

ClinVar aggregate classification (germline): Uncertain significance. Review status: criteria provided, multiple submitters, no conflicts (2 of 4 stars). 2 submissions from 2 submitters: Uncertain significance (2). Last evaluated 2025-01-15.

Conditions:
Cardiovascular phenotype. Identifiers: MedGen CN230736.

Allele frequency attached by ClinVar (database versions not stated): gnomAD exomes below 0.00001.

Submissions (2):

GeneDx
Classification: Uncertain significance. Last evaluated: 2025-01-15. Review status: criteria provided, single submitter. Criteria: GeneDx Variant Classification Process June 2021. Collection method: clinical testing. Allele origin: germline. Affected: yes.
Comment: Not observed at significant frequency in large population cohorts (gnomAD); In silico analysis indicates that this missense variant does not alter protein structure/function; Has not been previously published as pathogenic or benign to our knowledge; Variants in candidate genes are classified as variants of uncertain significance in accordance with ACMG guidelines (PMID: 25741868)

Ambry Genetics
Classification: Uncertain significance for Cardiovascular phenotype. Last evaluated: 2020-06-16. Review status: criteria provided, single submitter. Criteria: Ambry Variant Classification Scheme 2023. Collection method: clinical testing. Allele origin: germline.
Comment: The p.K33R variant (also known as c.98A>G), located in coding exon 1 of the KCNJ8 gene, results from an A to G substitution at nucleotide position 98. The lysine at codon 33 is replaced by arginine, an amino acid with highly similar properties. This amino acid position is not well conserved in available vertebrate species, and arginine is the reference amino acid in other vertebrate species. In addition, this alteration is predicted to be tolerated by in silico analysis. Since supporting evidence is limited at this time, the clinical significance of this alteration remains unclear.

NM_004982.4(KCNJ8):c.98A>G (p.Lys33Arg)

Genes: KCNJ8 (potassium inwardly rectifying channel subfamily J member 8; minus strand), KCNJ8-AS1 (KCNJ8 antisense RNA 1; plus strand). Cytogenetic location: 12p12.1.
Variant type: single nucleotide variant.
Coding change: c.98A>G on transcript NM_004982.4 (MANE Select); coding-DNA position 98, A replaced by G.
Protein change: p.Lys33Arg; replaces lysine 33 with arginine.
Molecular consequence: missense variant.
Genome position (GRCh38, 1-based): chr12:21,773,519, T>C on the plus strand (A>G on the coding strand, the complement: KCNJ8 is on the minus strand). VCF-style: chr12-21773519-T-C. GRCh37 (hg19) VCF-style: chr12-21926453-T-C.
Identifiers: ClinVar variation 1768537 (VCV001768537.3), dbSNP rs2540728650, ClinGen allele CA384132152.